The following is an entry in ClinVar:

NM_213655.5(WNK1):c.2567A>G (p.His856Arg)

Gene: WNK1 (WNK lysine deficient protein kinase 1; plus strand). Cytogenetic location: 12p13.33.
Variant type: single nucleotide variant.
Coding change: c.2567A>G on transcript NM_213655.5 (MANE Plus Clinical); coding-DNA position 2567, A replaced by G.
Protein change: p.His856Arg; replaces histidine 856 with arginine.
Molecular consequence: missense variant. On other transcripts: intron variant (2).
Genome position (GRCh38, 1-based): chr12:868,038, A>G. VCF-style: chr12-868038-A-G. GRCh37 (hg19) VCF-style: chr12-977204-A-G.
Other names: c.2312A>G, p.His771Arg (NM_001184985.2); c.2140-3227A>G (NM_018979.4, NM_014823.3); short protein forms H856R, H771R.
Identifiers: ClinVar variation 1428419 (VCV001428419.6), dbSNP rs2154071475, ClinGen allele CA383339156.
Genomic context (GRCh38, chr12:868,038, plus strand): 5'-CACCGAAAGTAGCCATTTCCCAGCGGCGTAAGAGCACCTCCTTCCTGGAAGCCCAAACTC[A>G]CCACTTCCAACCCCTGCTGAGGACTGTTGGCCAAAGTCTTCTTCCACCTGGTGGCAGCCC-3'
Protein context (NP_998820.3, residues 846-866): KSTSFLEAQT[His856Arg]HFQPLLRTVG

ClinVar aggregate classification (germline): Uncertain significance (1 of 4 stars; one submission).

Conditions:
Neuropathy, hereditary sensory and autonomic, type 2A (HSAN2A). Also called: ACROOSTEOLYSIS, GIACCAI TYPE; ACROOSTEOLYSIS, NEUROGENIC; MORVAN DISEASE; NEUROPATHY, CONGENITAL SENSORY; NEUROPATHY, HEREDITARY SENSORY RADICULAR, AUTOSOMAL RECESSIVE; NEUROPATHY, HEREDITARY SENSORY, TYPE IIA. Identifiers: Orphanet 970, MedGen C2752089, MONDO:0024309, OMIM 201300.
Pseudohypoaldosteronism type 2C (PHA2C). Also called: Pseudohypoaldosteronism Type IIC. Identifiers: Orphanet 757, Orphanet 88940, MedGen C1840391, MONDO:0013778, OMIM 614492.

Submission:

Labcorp Genetics (formerly Invitae), Labcorp
Classification: Uncertain significance for Neuropathy, hereditary sensory and autonomic, type 2A; Pseudohypoaldosteronism type 2C. Last evaluated: 2021-08-29. Review status: criteria provided, single submitter. Criteria: Invitae Variant Classification Sherloc (09022015). Collection method: clinical testing. Allele origin: germline.
Comment: In summary, the available evidence is currently insufficient to determine the role of this variant in disease. Therefore, it has been classified as a Variant of Uncertain Significance. Advanced modeling of protein sequence and biophysical properties (such as structural, functional, and spatial information, amino acid conservation, physicochemical variation, residue mobility, and thermodynamic stability) performed at Invitae indicates that this missense variant is not expected to disrupt WNK1 protein function. This sequence change replaces histidine with arginine at codon 856 of the WNK1 protein (p.His856Arg). The histidine residue is weakly conserved and there is a small physicochemical difference between histidine and arginine. This variant is not present in population databases (ExAC no frequency). This variant has not been reported in the literature in individuals affected with WNK1-related conditions.